The following is an entry in ClinVar:

NM_018136.5(ASPM):c.7486A>G (p.Thr2496Ala)

Gene: ASPM (assembly factor for spindle microtubules; minus strand). Cytogenetic location: 1q31.3.
Variant type: single nucleotide variant.
Coding change: c.7486A>G on transcript NM_018136.5 (MANE Select); coding-DNA position 7486, A replaced by G.
Protein change: p.Thr2496Ala; replaces threonine 2496 with alanine.
Molecular consequence: missense variant. On other transcripts: intron variant (1).
Genome position (GRCh38, 1-based): chr1:197,101,765, T>C on the plus strand (A>G on the coding strand, the complement: ASPM is on the minus strand). VCF-style: chr1-197101765-T-C. GRCh37 (hg19) VCF-style: chr1-197070895-T-C.
Other names: c.4066-5601A>G (NM_001206846.2); short protein forms T2496A.
Identifiers: ClinVar variation 2084177 (VCV002084177.1), dbSNP rs759989940, ClinGen allele CA1309391.

ClinVar aggregate classification (germline): Uncertain significance (1 of 4 stars; one submission).

Allele frequency attached by ClinVar (database versions not stated): gnomAD 0.00001; TOPMed 0.00001; gnomAD exomes 0.00003; ExAC 0.00005.
gnomAD v4.1: 19 of 1,612,496 alleles (0.0012%); highest among the groups gnomAD compares: Admixed American, 0.027%; no homozygotes.

Submission:

Labcorp Genetics (formerly Invitae), Labcorp
Classification: Uncertain significance. Last evaluated: 2022-07-13. Review status: criteria provided, single submitter. Criteria: Invitae Variant Classification Sherloc (09022015). Collection method: clinical testing. Allele origin: germline.
Comment: This sequence change replaces threonine, which is neutral and polar, with alanine, which is neutral and non-polar, at codon 2496 of the ASPM protein (p.Thr2496Ala). This variant is present in population databases (rs759989940, gnomAD 0.04%). This variant has not been reported in the literature in individuals affected with ASPM-related conditions. Algorithms developed to predict the effect of missense changes on protein structure and function output the following: SIFT: "Tolerated"; PolyPhen-2: "Benign"; Align-GVGD: "Class C0". The alanine amino acid residue is found in multiple mammalian species, which suggests that this missense change does not adversely affect protein function. In summary, the available evidence is currently insufficient to determine the role of this variant in disease. Therefore, it has been classified as a Variant of Uncertain Significance.